The following is an entry in ClinVar:

ClinVar aggregate classification (germline): Pathogenic (1 of 4 stars; one submission).

Conditions:
Polycystic kidney disease, adult type (PKD1). Also called: Polycystic Kidney Disease 1, Autosomal Dominant; Polycystic kidney disease 1; Polycystic kidney disease 1, severe; POLYCYSTIC KIDNEY DISEASE 1 WITH OR WITHOUT POLYCYSTIC LIVER DISEASE; POLYCYSTIC KIDNEY DISEASE, ADULT, TYPE I; Polycystic Kidney, Autosomal Dominant. Identifiers: MedGen C3149841, MONDO:0008263, OMIM 173900.

Submission:

Women's Health and Genetics/Laboratory Corporation of America, LabCorp
Classification: Pathogenic for Polycystic kidney disease, adult type. Last evaluated: 2026-04-17. Review status: criteria provided, single submitter. Criteria: LabCorp Variant Classification Summary - May 2015. Collection method: clinical testing. Allele origin: germline.
Comment: Variant summary: PKD1 c.8055delG (p.Lys2685AsnfsX10) results in a premature termination codon, predicted to cause a truncation of the encoded protein or absence of the protein due to nonsense mediated decay, which are commonly known mechanisms for disease. The variant was absent in 157698 control chromosomes (gnomAD). To our knowledge, no occurrence of c.8055delG in individuals affected with PKD1-related conditions and no experimental evidence demonstrating its impact on protein function have been reported. No submitters have cited clinical-significance assessments for this variant to ClinVar. Based on the evidence outlined above, the variant was classified as pathogenic.

NM_001009944.3(PKD1):c.8055del (p.Lys2685fs)

Gene: PKD1 (polycystin 1, transient receptor potential channel interacting; minus strand). Cytogenetic location: 16p13.3.
Variant type: Deletion.
Coding change: c.8055del on transcript NM_001009944.3 (MANE Select); coding-DNA position 8055, one base deleted (G; older notation c.8055delG).
Protein change: p.Lys2685fs; shifts the reading frame from lysine 2685.
Molecular consequence: frameshift variant.
Genome position (GRCh38, 1-based): chr16:2,104,604, C deleted on the plus strand (G on the coding strand, the reverse complement: PKD1 is on the minus strand). VCF-style (leftmost placement, unchanged base first): chr16-2104603-GC-G. GRCh37 (hg19) VCF-style: chr16-2154604-GC-G.
Other names: c.8055delG (NM_001009944.3); c.8055del, p.Lys2685fs (NM_000296.4); short protein forms K2685fs.
Identifiers: ClinVar variation 4848395 (VCV004848395.1).